The following is an entry in ClinVar:

ClinVar aggregate classification (germline): Uncertain significance (1 of 4 stars; one submission).

Conditions:
PPARG-related disorder. Also called: PPARG-related condition; PPARG-related disorders.

Submission:

PreventionGenetics, part of Exact Sciences
Classification: Uncertain significance for PPARG-related condition. Last evaluated: 2024-11-27. Review status: criteria provided, single submitter. Criteria: ACMG Guidelines, 2015. Collection method: clinical testing. Allele origin: germline.
Comment: The PPARG c.693G>T variant is predicted to result in the amino acid substitution p.Gln231His. To our knowledge, this variant has not been reported in the literature or in a large population database (gnomAD), indicating this variant is rare. At this time, the clinical significance of this variant is uncertain due to the absence of conclusive functional and genetic evidence.

NM_138711.6(PPARG):c.603G>T (p.Gln201His)

Genes: PPARG (peroxisome proliferator activated receptor gamma; plus strand), LOC114803475 (PPARG eExon liver enhancer; plus strand). Cytogenetic location: 3p25.2.
Variant type: single nucleotide variant.
Coding change: c.603G>T on transcript NM_138711.6 (MANE Select); coding-DNA position 603, G replaced by T.
Protein change: p.Gln201His; replaces glutamine 201 with histidine.
Molecular consequence: missense variant. On other transcripts: intron variant (1).
Genome position (GRCh38, 1-based): chr3:12,405,955, G>T. VCF-style: chr3-12405955-G-T. GRCh37 (hg19) VCF-style: chr3-12447454-G-T.
Other names: c.603G>T, p.Gln201His (NM_001330615.4, NM_001354666.3, NM_001354667.3 and 6 more transcripts); c.693G>T, p.Gln231His (NM_001354668.2, NM_001374265.1, NM_015869.5); c.609G>T, p.Gln203His (NM_001354670.2, NM_001374266.1); c.103-10749G>T (NM_001354669.2); short protein forms Q203H, Q231H, Q201H.
Identifiers: ClinVar variation 5000158 (VCV005000158.1).
Genomic context (GRCh38, chr3:12,405,955, plus strand): 5'-GCGGATGCCACAGGCCGAGAAGGAGAAGCTGTTGGCGGAGATCTCCAGTGATATCGACCA[G>T]CTGAATCCAGAGTCCGCTGACCTCCGGGCCCTGGCAAAACATTTGTATGACTCATACATA-3'
Protein context (NP_619725.3, residues 191-211): LLAEISSDID[Gln201His]LNPESADLRA